The following is an entry in ClinVar:

NM_001010898.4(SLC6A17):c.1425C>T (p.Ile475=)

Gene: SLC6A17 (solute carrier family 6 member 17; plus strand). Cytogenetic location: 1p13.3.
Variant type: single nucleotide variant.
Coding change: c.1425C>T on transcript NM_001010898.4 (MANE Select); coding-DNA position 1425, C replaced by T.
Protein change: p.Ile475=; no amino-acid change (isoleucine 475 retained).
Molecular consequence: synonymous variant.
Genome position (GRCh38, 1-based): chr1:110,194,704, C>T. VCF-style: chr1-110194704-C-T. GRCh37 (hg19) VCF-style: chr1-110737326-C-T.
Identifiers: ClinVar variation 3388478 (VCV003388478.14).

ClinVar aggregate classification (germline): Likely benign (1 of 4 stars; one submission).

gnomAD v4.1: 306 of 1,614,178 alleles (0.019%); highest among the groups gnomAD compares: Non-Finnish European, 0.02%; 1 homozygote.

Submission:

CeGaT Center for Human Genetics Tuebingen
Classification: Likely benign. Last evaluated: 2025-01-01. Review status: criteria provided, single submitter. Criteria: CeGaT Center For Human Genetics Tuebingen Variant Classification Criteria Version 2. Collection method: clinical testing. Allele origin: germline. Affected: yes. Observed: 2 variant alleles.
Comment: SLC6A17: BP4, BP7